The following is an entry in ClinVar:

NM_000053.4(ATP7B):c.1839C>T (p.Ile613=)

Gene: ATP7B (ATPase copper transporting beta; minus strand). Cytogenetic location: 13q14.3.
Variant type: single nucleotide variant.
Coding change: c.1839C>T on transcript NM_000053.4 (MANE Select); coding-DNA position 1839, C replaced by T.
Protein change: p.Ile613=; no amino-acid change (isoleucine 613 retained).
Molecular consequence: synonymous variant.
Genome position (GRCh38, 1-based): chr13:51,964,902, G>A on the plus strand (C>T on the coding strand, the complement: ATP7B is on the minus strand). VCF-style: chr13-51964902-G-A. GRCh37 (hg19) VCF-style: chr13-52539038-G-A.
Other names: c.1839C>T, p.Ile613= (NM_001005918.3, NM_001330578.2, NM_001330579.2); c.1506C>T, p.Ile502= (NM_001243182.2).
Identifiers: ClinVar variation 392131 (VCV000392131.21), dbSNP rs370476756, ClinGen allele CA6989215.

ClinVar aggregate classification (germline): Likely benign. Review status: criteria provided, multiple submitters, no conflicts (2 of 4 stars). 8 submissions from 8 submitters: Likely benign (6). 2 of the submissions do not count toward it. Last evaluated 2026-01-12.

Conditions:
Wilson disease (WND). Also called: Wilson's disease. Identifiers: Orphanet 905, MedGen C0019202, MONDO:0010200, OMIM 277900. Disease mechanism: loss of function.
ATP7B-related disorder. Also called: ATP7B-related condition.
Inborn genetic diseases. Identifiers: MedGen C0950123, MeSH D030342.

Allele frequency attached by ClinVar (database versions not stated): ExAC 0.00004; ESP Exome Variant Server 0.00008; TOPMed 0.00008; gnomAD 0.00011.
gnomAD v4.1: 130 of 1,613,980 alleles (0.0081%); highest among the groups gnomAD compares: Admixed American, 0.022%; no homozygotes.

Submissions (8):

Labcorp Genetics (formerly Invitae), Labcorp
Classification: Likely benign for Wilson disease. Last evaluated: 2026-01-12. Review status: criteria provided, single submitter. Criteria: Invitae Variant Classification Sherloc (09022015). Collection method: clinical testing. Allele origin: germline.

Color Diagnostics, LLC DBA Color Health
Classification: Likely benign for Wilson disease. Last evaluated: 2022-11-07. Review status: criteria provided, single submitter. Criteria: ACMG Guidelines, 2015. Collection method: clinical testing. Allele origin: germline.

Ambry Genetics
Classification: Likely benign for Inborn genetic diseases. Last evaluated: 2022-05-15. Review status: criteria provided, single submitter. Criteria: Ambry Variant Classification Scheme 2023. Collection method: clinical testing. Allele origin: germline.

Blueprint Genetics
Classification: Likely benign. Last evaluated: 2020-11-03. Review status: criteria provided, single submitter. Criteria: ACMG Guidelines, 2015. Collection method: clinical testing. Allele origin: germline.

Women's Health and Genetics/Laboratory Corporation of America, LabCorp
Classification: Likely benign. Last evaluated: 2019-08-21. Review status: criteria provided, single submitter. Criteria: LabCorp Variant Classification Summary - May 2015. Collection method: clinical testing. Allele origin: germline.

GeneDx
Classification: Likely benign. Last evaluated: 2017-01-02. Review status: criteria provided, single submitter. Criteria: GeneDx Variant Classification (06012015). Collection method: clinical testing. Allele origin: germline. Affected: yes.
Comment: This variant is considered likely benign or benign based on one or more of the following criteria: it is a conservative change, it occurs at a poorly conserved position in the protein, it is predicted to be benign by multiple in silico algorithms, and/or has population frequency not consistent with disease.

PreventionGenetics, part of Exact Sciences
Classification: Likely benign for ATP7B-related condition. Last evaluated: 2023-09-21. Review status: no assertion criteria provided. Collection method: clinical testing. Allele origin: germline. Not counted in ClinVar's aggregate classification.
Comment: This variant is classified as likely benign based on ACMG/AMP sequence variant interpretation guidelines (Richards et al. 2015 PMID: 25741868, with internal and published modifications).

Natera, Inc.
Classification: Likely benign for Wilson disease. Last evaluated: 2020-01-14. Review status: no assertion criteria provided. Collection method: clinical testing. Allele origin: germline. Not counted in ClinVar's aggregate classification.